The following is an entry in ClinVar:

NM_004606.5(TAF1):c.136T>A (p.Leu46Met)

Gene: TAF1 (TATA-box binding protein associated factor 1; plus strand). Cytogenetic location: Xq13.1.
Variant type: single nucleotide variant.
Coding change: c.136T>A on transcript NM_004606.5 (MANE Select); coding-DNA position 136, T replaced by A.
Protein change: p.Leu46Met; replaces leucine 46 with methionine.
Molecular consequence: missense variant. On other transcripts: non-coding transcript variant (9).
Genome position (GRCh38, 1-based): chrX:71,367,514, T>A. VCF-style: chrX-71367514-T-A. GRCh37 (hg19) VCF-style: chrX-70587364-T-A.
Other names: c.136T>A, p.Leu46Met (NM_001286074.2, NM_138923.4); short protein forms L46M.
Identifiers: ClinVar variation 3902492 (VCV003902492.1).

ClinVar aggregate classification (germline): Uncertain significance (1 of 4 stars; one submission).

Submission:

Women's Health and Genetics/Laboratory Corporation of America, LabCorp
Classification: Uncertain significance. Last evaluated: 2025-05-06. Review status: criteria provided, single submitter. Criteria: LabCorp Variant Classification Summary - May 2015. Collection method: clinical testing. Allele origin: germline.
Comment: Variant summary: TAF1 c.136T>A (p.Leu46Met) results in a conservative amino acid change in the encoded protein sequence. Algorithms developed to predict the effect of missense changes on protein structure and function are either unavailable or do not agree on the potential impact of this missense change. The variant was absent in 183053 control chromosomes. The available data on variant occurrences in the general population are insufficient to allow any conclusion about variant significance. To our knowledge, no occurrence of c.136T>A in individuals affected with Mental Retardation, X-Linked, Syndromic 33 and no experimental evidence demonstrating its impact on protein function have been reported. No submitters have cited clinical-significance assessments for this variant to ClinVar. Based on the evidence outlined above, the variant was classified as uncertain significance.